The following is an entry in ClinVar:

ClinVar aggregate classification (germline): Uncertain significance (1 of 4 stars; one submission).

Conditions:
Catecholaminergic polymorphic ventricular tachycardia 1. Also called: VENTRICULAR TACHYCARDIA, STRESS-INDUCED POLYMORPHIC 1; RYR2-Related Catecholaminergic Polymorphic Ventricular Tachycardia; VENTRICULAR TACHYCARDIA, CATECHOLAMINERGIC POLYMORPHIC, 1, WITH OR WITHOUT ATRIAL DYSFUNCTION AND/OR DILATED CARDIOMYOPATHY. Identifiers: Orphanet 3286, MedGen C1631597, MONDO:0011484, OMIM 604772.

Submission:

Labcorp Genetics (formerly Invitae), Labcorp
Classification: Uncertain significance for Catecholaminergic polymorphic ventricular tachycardia 1. Last evaluated: 2025-12-05. Review status: criteria provided, single submitter. Criteria: Invitae Variant Classification Sherloc (09022015). Collection method: clinical testing. Allele origin: germline.
Comment: This sequence change replaces isoleucine, which is neutral and non-polar, with serine, which is neutral and polar, at codon 4626 of the RYR2 protein (p.Ile4626Ser). This variant is not present in population databases (gnomAD no frequency). This variant has not been reported in the literature in individuals affected with RYR2-related conditions. Invitae Evidence Modeling of protein sequence and biophysical properties (such as structural, functional, and spatial information, amino acid conservation, physicochemical variation, residue mobility, and thermodynamic stability) indicates that this missense variant is expected to disrupt RYR2 protein function with a positive predictive value of 95%. In summary, the available evidence is currently insufficient to determine the role of this variant in disease. Therefore, it has been classified as a Variant of Uncertain Significance.

NM_001035.3(RYR2):c.13877T>G (p.Ile4626Ser)

Gene: RYR2 (ryanodine receptor 2; plus strand). Cytogenetic location: 1q43.
Variant type: single nucleotide variant.
Coding change: c.13877T>G on transcript NM_001035.3 (MANE Select); coding-DNA position 13877, T replaced by G.
Protein change: p.Ile4626Ser; replaces isoleucine 4626 with serine.
Molecular consequence: missense variant.
Genome position (GRCh38, 1-based): chr1:237,793,961, T>G. VCF-style: chr1-237793961-T-G. GRCh37 (hg19) VCF-style: chr1-237957261-T-G.
Other names: short protein forms I4626S.
Identifiers: ClinVar variation 4773395 (VCV004773395.1).